The following is an entry in ClinVar:

ClinVar aggregate classification (germline): Uncertain significance (1 of 4 stars; one submission).

Conditions:
Cardiovascular phenotype. Identifiers: MedGen CN230736.

gnomAD v4.1: 4 of 1,605,252 alleles (0.00025%); highest among the groups gnomAD compares: Admixed American, 0.0017%; no homozygotes.

Submission:

Ambry Genetics
Classification: Uncertain significance for Cardiovascular phenotype. Last evaluated: 2026-07-08. Review status: criteria provided, single submitter. Criteria: Ambry Variant Classification Scheme 2023. Collection method: clinical testing. Allele origin: germline.
Comment: The p.S2275R variant (also known as c.6825C>A), located in coding exon 41 of the FLNC gene, results from a C to A substitution at nucleotide position 6825. The serine at codon 2275 is replaced by arginine, an amino acid with dissimilar properties. This amino acid position is highly conserved in available vertebrate species. In addition, this alteration is predicted to be tolerated by in silico analysis. Based on the available evidence, the clinical significance of this variant remains unclear.

NM_001458.5(FLNC):c.6825C>A (p.Ser2275Arg)

Genes: FLNC (filamin C; plus strand), FLNC-AS1 (FLNC antisense RNA 1; minus strand). Cytogenetic location: 7q32.1.
Variant type: single nucleotide variant.
Coding change: c.6825C>A on transcript NM_001458.5 (MANE Select); coding-DNA position 6825, C replaced by A.
Protein change: p.Ser2275Arg; replaces serine 2275 with arginine.
Molecular consequence: missense variant.
Genome position (GRCh38, 1-based): chr7:128,854,510, C>A. VCF-style: chr7-128854510-C-A. GRCh37 (hg19) VCF-style: chr7-128494564-C-A.
Other names: c.6726C>A, p.Ser2242Arg (NM_001127487.2); short protein forms S2275R, S2242R.
Identifiers: ClinVar variation 5021935 (VCV005021935.1).